The following is an entry in ClinVar:

NM_024426.6(WT1):c.467C>A (p.Pro156Gln)

Genes: WT1 (WT1 transcription factor; minus strand), LOC107982234 (WT1/WT1-AS bi-directional promoter region; plus strand). Cytogenetic location: 11p13.
Variant type: single nucleotide variant.
Coding change: c.467C>A on transcript NM_024426.6 (MANE Select); coding-DNA position 467, C replaced by A.
Protein change: p.Pro156Gln; replaces proline 156 with glutamine.
Molecular consequence: missense variant. On other transcripts: non-coding transcript variant (1).
Genome position (GRCh38, 1-based): chr11:32,434,894, G>T on the plus strand (C>A on the coding strand, the complement: WT1 is on the minus strand). VCF-style: chr11-32434894-G-T. GRCh37 (hg19) VCF-style: chr11-32456440-G-T.
Other names: c.467C>A, p.Pro156Gln (NM_000378.6, NM_024424.5); short protein forms P156Q.
Identifiers: ClinVar variation 1476011 (VCV001476011.6), dbSNP rs1225927150, ClinGen allele CA379964991.

ClinVar aggregate classification (germline): Uncertain significance (1 of 4 stars; one submission).

Conditions:
Frasier syndrome. Identifiers: Orphanet 347, MedGen C0950122, MeSH D052159, MONDO:0007635, OMIM 136680.
Wilms tumor 1 (WT1). Also called: Wilms tumor, somatic. Identifiers: Orphanet 654, MedGen CN033288, MONDO:0008679, OMIM 194070.
11p partial monosomy syndrome (WAGR). Also called: WAGR Complex; WAGR Spectrum Disorder; WAGR syndrome; CHROMOSOME 11p13 DELETION SYNDROME. Identifiers: Orphanet 893, MedGen C0206115, MONDO:0008681, OMIM 194072.
Drash syndrome (DDS). Also called: NEPHROPATHY, WILMS TUMOR, AND GENITAL ANOMALIES; WILMS TUMOR AND PSEUDO- OR TRUE HERMAPHRODITISM. Identifiers: Orphanet 220, MedGen C0950121, MONDO:0008682, OMIM 194080.

Allele frequency attached by ClinVar (database versions not stated): gnomAD exomes below 0.00001.
gnomAD v4.1: 1 of 1,611,758 alleles (0.000062%); highest among the groups gnomAD compares: Admixed American, 0.0017%; no homozygotes.

Submission:

Labcorp Genetics (formerly Invitae), Labcorp
Classification: Uncertain significance for Wilms tumor 1; Drash syndrome; 11p partial monosomy syndrome; Frasier syndrome. Last evaluated: 2021-10-21. Review status: criteria provided, single submitter. Criteria: Invitae Variant Classification Sherloc (09022015). Collection method: clinical testing. Allele origin: germline.
Comment: This sequence change replaces proline with glutamine at codon 151 of the WT1 protein (p.Pro151Gln). The proline residue is highly conserved and there is a moderate physicochemical difference between proline and glutamine. This variant is not present in population databases (ExAC no frequency). In summary, the available evidence is currently insufficient to determine the role of this variant in disease. Therefore, it has been classified as a Variant of Uncertain Significance. Algorithms developed to predict the effect of missense changes on protein structure and function (SIFT, PolyPhen-2, Align-GVGD) all suggest that this variant is likely to be disruptive. This variant has not been reported in the literature in individuals affected with WT1-related conditions.